The following is an entry in ClinVar:

NM_001903.5(CTNNA1):c.1555A>G (p.Ile519Val)

Gene: CTNNA1 (catenin alpha 1; plus strand). Cytogenetic location: 5q31.2.
Variant type: single nucleotide variant.
Coding change: c.1555A>G on transcript NM_001903.5 (MANE Select); coding-DNA position 1555, A replaced by G.
Protein change: p.Ile519Val; replaces isoleucine 519 with valine.
Molecular consequence: missense variant.
Genome position (GRCh38, 1-based): chr5:138,924,518, A>G. VCF-style: chr5-138924518-A-G. GRCh37 (hg19) VCF-style: chr5-138260207-A-G.
Other names: c.445A>G, p.Ile149Val (NM_001323998.1, NM_001323999.1, NM_001324000.1 and 17 more transcripts); c.106A>G, p.Ile36Val (NM_001324006.1, NM_001324007.1, NM_001324008.1 and 2 more transcripts); c.352A>G, p.Ile118Val (NM_001324011.1); c.202A>G, p.Ile68Val (NM_001324012.1, NM_001324013.1); c.1555A>G, p.Ile519Val (NM_001290307.3, NM_001323982.2, NM_001323983.1 and 2 more transcripts); c.1246A>G, p.Ile416Val (NM_001290309.3); c.1186A>G, p.Ile396Val (NM_001290310.3); c.1462A>G, p.Ile488Val (NM_001323986.2); short protein forms I118V, I396V, I488V, I149V, I36V, I416V, I519V, I68V.
Identifiers: ClinVar variation 5035000 (VCV005035000.1).

ClinVar aggregate classification (germline): Uncertain significance (1 of 4 stars; one submission).

Conditions:
Hereditary cancer-predisposing syndrome. Also called: Hereditary Cancer Syndrome; Neoplastic Syndromes, Hereditary; Tumor predisposition; Hereditary neoplastic syndrome. Identifiers: Orphanet 140162, MedGen C0027672, MeSH D009386, MONDO:0015356.

Submission:

Ambry Genetics
Classification: Uncertain significance for Hereditary cancer-predisposing syndrome. Last evaluated: 2026-07-26. Review status: criteria provided, single submitter. Criteria: Ambry Variant Classification Scheme 2023. Collection method: clinical testing. Allele origin: germline.
Comment: The p.I519V variant (also known as c.1555A>G), located in coding exon 11 of the CTNNA1 gene, results from an A to G substitution at nucleotide position 1555. The isoleucine at codon 519 is replaced by valine, an amino acid with highly similar properties. This amino acid position is conserved. In addition, this alteration is predicted to be tolerated by in silico analysis. Based on the available evidence, the clinical significance of this variant remains unclear.